The following is an entry in ClinVar:

ClinVar aggregate classification (germline): Conflicting classifications of pathogenicity. Review status: criteria provided, conflicting classifications (1 of 4 stars). 7 submissions from 7 submitters: Uncertain significance (3); Benign (1); Likely benign (2). 1 of the submissions does not count toward it. Last evaluated 2026-06-12.

Conditions:
PDGFRA-related disorder. Also called: PDGFRA-related condition.
Polyps, multiple and recurrent inflammatory fibroid, gastrointestinal. Identifiers: MedGen C5193005, MONDO:0008285, OMIM 175510.
Hereditary cancer-predisposing syndrome. Also called: Tumor predisposition; Hereditary neoplastic syndrome; Hereditary Cancer Syndrome; Neoplastic Syndromes, Hereditary. Identifiers: Orphanet 140162, MedGen C0027672, MeSH D009386, MONDO:0015356.
Gastrointestinal stromal tumor. Also called: Gastrointestinal stromal tumor, somatic; Gastrointestinal stroma tumor. Identifiers: Orphanet 44890, MedGen C0238198, MeSH D046152, MONDO:0011719, OMIM 606764, HP:0100723.

Allele frequency attached by ClinVar (database versions not stated): gnomAD exomes 0.00001; TOPMed 0.00001.
gnomAD v4.1: 14 of 1,613,200 alleles (0.00087%); highest among the groups gnomAD compares: African/African-American, 0.0013%; no homozygotes.

Submissions (7):

Myriad Genetics, Inc.
Classification: Likely benign for Polyps, multiple and recurrent inflammatory fibroid, gastrointestinal. Last evaluated: 2026-06-12. Review status: criteria provided, single submitter. Criteria: Myriad Autosomal Dominant, Autosomal Recessive and X-Linked Classification Criteria (2023). Collection method: clinical testing. Allele origin: unknown.
Comment: This variant is considered likely benign. This variant has been observed at a population frequency that is significantly greater than expected given the associated disease prevalence and penetrance.

PreventionGenetics, part of Exact Sciences
Classification: Uncertain significance for PDGFRA-related condition. Last evaluated: 2026-06-12. Review status: criteria provided, single submitter. Criteria: ACMG Guidelines, 2015. Collection method: clinical testing. Allele origin: germline.
Comment: The PDGFRA c.46A>T variant is predicted to result in the amino acid substitution p.Thr16Ser. To our knowledge, this variant has not been reported in the literature. This variant is reported in 0.0026% of alleles in individuals of European (Non-Finnish) descent in gnomAD and has conflicting interpretations in ClinVar ranging from benign to uncertain (Variation ID: 135017). At this time, the clinical significance of this variant is uncertain due to the absence of conclusive functional and genetic evidence.

Labcorp Genetics (formerly Invitae), Labcorp
Classification: Uncertain significance for Gastrointestinal stromal tumor. Last evaluated: 2026-01-16. Review status: criteria provided, single submitter. Criteria: Invitae Variant Classification Sherloc (09022015). Collection method: clinical testing. Allele origin: germline.
Comment: This sequence change replaces threonine, which is neutral and polar, with serine, which is neutral and polar, at codon 16 of the PDGFRA protein (p.Thr16Ser). This variant is present in population databases (rs587778596, gnomAD 0.003%). This variant has not been reported in the literature in individuals affected with PDGFRA-related conditions. ClinVar contains an entry for this variant (Variation ID: 135017). An algorithm developed to predict the effect of missense changes on protein structure and function (PolyPhen-2) suggests that this variant is likely to be tolerated. In summary, the available evidence is currently insufficient to determine the role of this variant in disease. Therefore, it has been classified as a Variant of Uncertain Significance.

Ambry Genetics
Classification: Benign for Hereditary cancer-predisposing syndrome. Last evaluated: 2024-10-28. Review status: criteria provided, single submitter. Criteria: Ambry Variant Classification Scheme 2023. Collection method: clinical testing. Allele origin: germline.

GeneDx
Classification: Uncertain significance. Last evaluated: 2024-06-18. Review status: criteria provided, single submitter. Criteria: GeneDx Variant Classification Process June 2021. Collection method: clinical testing. Allele origin: germline.
Comment: Not observed at significant frequency in large population cohorts (gnomAD); In silico analysis indicates that this missense variant does not alter protein structure/function; Has not been previously published as pathogenic or benign to our knowledge; This variant is associated with the following publications: (PMID: 24728327)

CeGaT Center for Human Genetics Tuebingen
Classification: Likely benign. Last evaluated: 2023-02-01. Review status: criteria provided, single submitter. Criteria: CeGaT Center For Human Genetics Tuebingen Variant Classification Criteria Version 2. Collection method: clinical testing. Allele origin: germline. Affected: yes. Observed: 1 variant allele.
Comment: PDGFRA: BP4

ITMI
No classification provided. Condition: AllHighlyPenetrant. Last evaluated: 2013-09-19. Review status: no classification provided. Collection method: reference population. Allele origin: germline. Not counted in ClinVar's aggregate classification.
Comment: Please see associated publication for description of ethnicities

Literature cited by the submitters: PubMed 24728327 (cited by Ambry Genetics and ITMI).

NM_006206.6(PDGFRA):c.46A>T (p.Thr16Ser)

Gene: PDGFRA (platelet derived growth factor receptor alpha; plus strand). Cytogenetic location: 4q12.
Variant type: single nucleotide variant.
Coding change: c.46A>T on transcript NM_006206.6 (MANE Select); coding-DNA position 46, A replaced by T.
Protein change: p.Thr16Ser; replaces threonine 16 with serine.
Molecular consequence: missense variant.
Genome position (GRCh38, 1-based): chr4:54,258,814, A>T. VCF-style: chr4-54258814-A-T. GRCh37 (hg19) VCF-style: chr4-55124981-A-T.
Other names: c.46A>T, p.Thr16Ser (NM_001347827.2, NM_001347829.2); c.121A>T, p.Thr41Ser (NM_001347828.2); c.85A>T, p.Thr29Ser (NM_001347830.2); c.46A>T (NM_006206.5); short protein forms T16S, T29S, T41S.
Identifiers: ClinVar variation 135017 (VCV000135017.46), dbSNP rs587778596, ClinGen allele CA161411.
Genomic context (GRCh38, chr4:54,258,814, plus strand): 5'-TAGTTTCCCAGAGCTATGGGGACTTCCCATCCGGCGTTCCTGGTCTTAGGCTGTCTTCTC[A>T]CAGGTACGGAGCCCAGTCCTCTCTGAGTTCCTTGTTTGGGTGTCTTGTTTTTTTAAGCTT-3'
Protein context (NP_006197.1, residues 6-26): PAFLVLGCLL[Thr16Ser]GLSLILCQLS